The following is an entry in ClinVar:

ClinVar aggregate classification (germline): Uncertain significance (1 of 4 stars; one submission).

Conditions:
CHARGE syndrome (CHARGE). Also called: Hittner Hirsch Kreh syndrome; CHARGE ASSOCIATION--COLOBOMA, HEART ANOMALY, CHOANAL ATRESIA, RETARDATION, GENITAL AND EAR ANOMALIES; Coloboma, heart anomaly, choanal atresia, retardation, genital and ear anomalies; CHARGE association; Hall-Hittner syndrome. Identifiers: Orphanet 138, MedGen C0265354, MONDO:0008965.

Submission:

Labcorp Genetics (formerly Invitae), Labcorp
Classification: Uncertain significance for CHARGE syndrome. Last evaluated: 2025-02-26. Review status: criteria provided, single submitter. Criteria: Invitae Variant Classification Sherloc (09022015). Collection method: clinical testing. Allele origin: germline.
Comment: This sequence change replaces valine, which is neutral and non-polar, with isoleucine, which is neutral and non-polar, at codon 1983 of the CHD7 protein (p.Val1983Ile). This variant is not present in population databases (gnomAD no frequency). This variant has not been reported in the literature in individuals affected with CHD7-related conditions. Invitae Evidence Modeling of protein sequence and biophysical properties (such as structural, functional, and spatial information, amino acid conservation, physicochemical variation, residue mobility, and thermodynamic stability) indicates that this missense variant is not expected to disrupt CHD7 protein function with a negative predictive value of 80%. In summary, the available evidence is currently insufficient to determine the role of this variant in disease. Therefore, it has been classified as a Variant of Uncertain Significance.

NM_017780.4(CHD7):c.5947G>A (p.Val1983Ile)

Gene: CHD7 (chromodomain helicase DNA binding protein 7; plus strand). Cytogenetic location: 8q12.2.
Variant type: single nucleotide variant.
Coding change: c.5947G>A on transcript NM_017780.4 (MANE Select); coding-DNA position 5947, G replaced by A.
Protein change: p.Val1983Ile; replaces valine 1983 with isoleucine.
Molecular consequence: missense variant. On other transcripts: intron variant (1).
Genome position (GRCh38, 1-based): chr8:60,852,550, G>A. VCF-style: chr8-60852550-G-A. GRCh37 (hg19) VCF-style: chr8-61765109-G-A.
Other names: c.1717-9679G>A (NM_001316690.1); short protein forms V1983I.
Identifiers: ClinVar variation 3627405 (VCV003627405.2).